The following is an entry in ClinVar:

NM_015409.5(EP400):c.2680-3C>A

Gene: EP400 (E1A binding protein p400; plus strand). Cytogenetic location: 12q24.33.
Variant type: single nucleotide variant.
Coding change: c.2680-3C>A on transcript NM_015409.5 (MANE Select); 3 bases into the intron before coding-DNA position 2680, C replaced by A.
Molecular consequence: intron variant.
Genome position (GRCh38, 1-based): chr12:131,992,170, C>A. VCF-style: chr12-131992170-C-A. GRCh37 (hg19) VCF-style: chr12-132476715-C-A.
Identifiers: ClinVar variation 3059419 (VCV003059419.2), dbSNP rs2540928388, ClinGen allele CA2740097631.

ClinVar aggregate classification (germline): Uncertain significance (0 of 4 stars; one submission).

Conditions:
EP400-related disorder. Also called: EP400-related condition.

Submission:

PreventionGenetics, part of Exact Sciences
Classification: Uncertain significance for EP400-related condition. Last evaluated: 2023-10-23. Review status: no assertion criteria provided. Collection method: clinical testing. Allele origin: germline.
Comment: The EP400 c.2680-3C>A variant is predicted to interfere with splicing. This variant is predicted to impact splicing at the consensus acceptor site (SpliceAI, Jaganathan K, et al. 2019. PubMed ID: 30661751). To our knowledge, this variant has not been reported in the literature or in a large population database, indicating this variant is rare. At this time, the clinical significance of this variant is uncertain due to the absence of conclusive functional and genetic evidence.